The following is an entry in ClinVar:

ClinVar aggregate classification (germline): Uncertain significance. Review status: criteria provided, multiple submitters, no conflicts (2 of 4 stars). 3 submissions from 3 submitters: Uncertain significance (3). Last evaluated 2024-09-10.

Conditions:
Inborn genetic diseases. Identifiers: MedGen C0950123, MeSH D030342.
Hereditary spastic paraplegia 48. Also called: Spastic paraplegia 48; SPASTIC PARAPLEGIA 48, AUTOSOMAL RECESSIVE. Identifiers: Orphanet 306511, MedGen C3150901, MONDO:0013342, OMIM 613647.

Allele frequency attached by ClinVar (database versions not stated): ExAC 0.00003; gnomAD 0.00003; gnomAD exomes 0.00003 and 0.00007; TOPMed 0.00003; ESP Exome Variant Server 0.00008.
gnomAD v4.1: 101 of 1,612,448 alleles (0.0063%); highest among the groups gnomAD compares: Non-Finnish European, 0.0085%; no homozygotes.

Submissions (3):

Ambry Genetics
Classification: Uncertain significance for Inborn genetic diseases. Last evaluated: 2024-09-10. Review status: criteria provided, single submitter. Criteria: Ambry Variant Classification Scheme 2023. Collection method: clinical testing. Allele origin: germline.

Labcorp Genetics (formerly Invitae), Labcorp
Classification: Uncertain significance for Hereditary spastic paraplegia 48. Last evaluated: 2021-11-19. Review status: criteria provided, single submitter. Criteria: Invitae Variant Classification Sherloc (09022015). Collection method: clinical testing. Allele origin: germline.
Comment: This sequence change replaces glycine, which is neutral and non-polar, with aspartic acid, which is acidic and polar, at codon 166 of the AP5Z1 protein (p.Gly166Asp). This variant is present in population databases (rs374914983, gnomAD 0.007%). This variant has not been reported in the literature in individuals affected with AP5Z1-related conditions. ClinVar contains an entry for this variant (Variation ID: 909788). Algorithms developed to predict the effect of missense changes on protein structure and function output the following: SIFT: "Tolerated"; PolyPhen-2: "Benign"; Align-GVGD: "Class C0". The aspartic acid amino acid residue is found in multiple mammalian species, which suggests that this missense change does not adversely affect protein function. In summary, the available evidence is currently insufficient to determine the role of this variant in disease. Therefore, it has been classified as a Variant of Uncertain Significance.

Illumina Laboratory Services, Illumina
Classification: Uncertain significance for Hereditary spastic paraplegia 48. Last evaluated: 2018-01-12. Review status: criteria provided, single submitter. Criteria: ICSL Variant Classification Criteria 13 December 2019. Collection method: clinical testing. Allele origin: germline.

NM_014855.3(AP5Z1):c.497G>A (p.Gly166Asp)

Gene: AP5Z1 (adaptor related protein complex 5 subunit zeta 1; plus strand). Cytogenetic location: 7p22.1.
Variant type: single nucleotide variant.
Coding change: c.497G>A on transcript NM_014855.3 (MANE Select); coding-DNA position 497, G replaced by A.
Protein change: p.Gly166Asp; replaces glycine 166 with aspartic acid.
Molecular consequence: missense variant. On other transcripts: non-coding transcript variant (1).
Genome position (GRCh38, 1-based): chr7:4,783,446, G>A. VCF-style: chr7-4783446-G-A. GRCh37 (hg19) VCF-style: chr7-4823077-G-A.
Other names: c.29G>A, p.Gly10Asp (NM_001364858.1); short protein forms G166D, G10D.
Identifiers: ClinVar variation 909788 (VCV000909788.10), dbSNP rs374914983, ClinGen allele CA4137229.